The following is an entry in ClinVar:

NM_199242.3(UNC13D):c.3049G>A (p.Glu1017Lys)

Gene: UNC13D (unc-13 homolog D; minus strand). Cytogenetic location: 17q25.1.
Variant type: single nucleotide variant.
Coding change: c.3049G>A on transcript NM_199242.3 (MANE Select); coding-DNA position 3049, G replaced by A.
Protein change: p.Glu1017Lys; replaces glutamic acid 1017 with lysine.
Molecular consequence: missense variant.
Genome position (GRCh38, 1-based): chr17:75,828,889, C>T on the plus strand (G>A on the coding strand, the complement: UNC13D is on the minus strand). VCF-style: chr17-75828889-C-T. GRCh37 (hg19) VCF-style: chr17-73824970-C-T.
Other names: short protein forms E1017K.
Identifiers: ClinVar variation 1705632 (VCV001705632.6), dbSNP rs776737156, ClinGen allele CA8772294.

ClinVar aggregate classification (germline): Conflicting classifications of pathogenicity. Review status: criteria provided, conflicting classifications (1 of 4 stars). 3 submissions from 3 submitters: Pathogenic (1); Likely pathogenic (1); Uncertain significance (1). Last evaluated 2023-11-07.

Conditions:
Familial hemophagocytic lymphohistiocytosis 3 (FHL3). Also called: UNC13D-Related Familial Hemophagocytic Lymphohistiocytosis (UNC13D-fHLH). Identifiers: Orphanet 540, MedGen C1837174, MONDO:0012146, OMIM 608898.

Allele frequency attached by ClinVar (database versions not stated): TOPMed below 0.00001; ExAC 0.00001.
gnomAD v4.1: 31 of 1,605,552 alleles (0.0019%); highest among the groups gnomAD compares: Non-Finnish European, 0.0024%; no homozygotes.

Submissions (3):

Labcorp Genetics (formerly Invitae), Labcorp
Classification: Pathogenic for Familial hemophagocytic lymphohistiocytosis 3. Last evaluated: 2023-11-07. Review status: criteria provided, single submitter. Criteria: Invitae Variant Classification Sherloc (09022015). Collection method: clinical testing. Allele origin: germline.
Comment: This sequence change replaces glutamic acid, which is acidic and polar, with lysine, which is basic and polar, at codon 1017 of the UNC13D protein (p.Glu1017Lys). This variant is present in population databases (rs776737156, gnomAD 0.006%). This missense change has been observed in individual(s) with autosomal recessive hemophagocytic lymphohistiocytosis (PMID: 21248318, 29665027, 31388699, 32542393, 34106167, 34677667). In at least one individual the data is consistent with being in trans (on the opposite chromosome) from a pathogenic variant. ClinVar contains an entry for this variant (Variation ID: 1705632). Advanced modeling of protein sequence and biophysical properties (such as structural, functional, and spatial information, amino acid conservation, physicochemical variation, residue mobility, and thermodynamic stability) performed at Invitae indicates that this missense variant is expected to disrupt UNC13D protein function with a positive predictive value of 80%. Studies have shown that this missense change alters UNC13D gene expression (PMID: 29549174). For these reasons, this variant has been classified as Pathogenic.

3billion
Classification: Uncertain significance for Familial hemophagocytic lymphohistiocytosis 3. Last evaluated: 2022-09-01. Review status: criteria provided, single submitter. Criteria: ACMG Guidelines, 2015. Collection method: clinical testing. Allele origin: germline. Affected: yes. Observed: 1 homozygote.
Comment: The variant is observed at an extremely low frequency in the gnomAD v2.1.1 dataset (total allele frequency: <0.001%). While this variant results in missense change, protein truncation variants are a common disease-causing mechanism. Therefore, this variant is classified as uncertain significance according to the recommendation of ACMG/AMP guideline.

Juno Genomics, Hangzhou Juno Genomics, Inc
Classification: Likely pathogenic for Familial hemophagocytic lymphohistiocytosis 3. Review status: criteria provided, single submitter. Criteria: ACMG Guidelines, 2015. Collection method: clinical testing. Allele origin: germline.
Comment: Absent from controls (or at extremely low frequency if recessive) in Genome Aggregation Database.;For recessive disorders, detected in trans with a pathogenic variant.;Patient's phenotype or family history is highly specific for a disease with a single genetic etiology.

Literature cited by the submitters: PubMed 21248318 (cited by Labcorp Genetics (formerly Invitae), Labcorp); PubMed 29665027 (cited by Labcorp Genetics (formerly Invitae), Labcorp); PubMed 31388699 (cited by Labcorp Genetics (formerly Invitae), Labcorp); PubMed 32542393 (cited by Labcorp Genetics (formerly Invitae), Labcorp); PubMed 34106167 (cited by Labcorp Genetics (formerly Invitae), Labcorp); PubMed 34677667 (cited by Labcorp Genetics (formerly Invitae), Labcorp); PubMed 29549174 (cited by Labcorp Genetics (formerly Invitae), Labcorp).